The following is an entry in ClinVar:

NM_000551.4(VHL):c.-47C>G

Gene: VHL (von Hippel-Lindau tumor suppressor; plus strand). Cytogenetic location: 3p25.3.
Variant type: single nucleotide variant.
Coding change: c.-47C>G on transcript NM_000551.4 (MANE Select); 47 bases upstream of the start codon, C replaced by G.
Molecular consequence: 5 prime UTR variant.
Genome position (GRCh38, 1-based): chr3:10,141,801, C>G. VCF-style: chr3-10141801-C-G. GRCh37 (hg19) VCF-style: chr3-10183485-C-G.
Other names: c.-47C>G (NM_001354723.2, NM_198156.3).
Identifiers: ClinVar variation 382948 (VCV000382948.1), dbSNP rs745439844, ClinGen allele CA16604412.

ClinVar aggregate classification (germline): Likely benign (1 of 4 stars; one submission).

Submission:

GeneDx
Classification: Likely benign. Last evaluated: 2016-01-07. Review status: criteria provided, single submitter. Criteria: GeneDx Variant Classification (06012015). Collection method: clinical testing. Allele origin: germline. Affected: yes.
Comment: This variant is considered likely benign or benign based on one or more of the following criteria: it is a conservative change, it occurs at a poorly conserved position in the protein, it is predicted to be benign by multiple in silico algorithms, and/or has population frequency not consistent with disease.